The following is an entry in ClinVar:

ClinVar aggregate classification (germline): Uncertain significance (1 of 4 stars; one submission).

Conditions:
Hereditary sensory and autonomic neuropathy type 7. Also called: Neuropathy, hereditary sensory and autonomic, type VII; HSAN VII. Identifiers: Orphanet 391397, MedGen C3809882, MONDO:0014244, OMIM 615548.
Familial episodic pain syndrome with predominantly lower limb involvement. Also called: Episodic pain syndrome, familial, 3. Identifiers: Orphanet 391384, Orphanet 391392, MedGen C3809899, MONDO:0014247, OMIM 615552.

gnomAD v4.1: 2 of 1,598,362 alleles (0.00013%); highest among the groups gnomAD compares: Non-Finnish European, 0.00017%; no homozygotes.

Submission:

Labcorp Genetics (formerly Invitae), Labcorp
Classification: Uncertain significance for Familial episodic pain syndrome with predominantly lower limb involvement; Hereditary sensory and autonomic neuropathy type 7. Last evaluated: 2025-10-29. Review status: criteria provided, single submitter. Criteria: Invitae Variant Classification Sherloc (09022015). Collection method: clinical testing. Allele origin: germline.
Comment: This sequence change affects a donor splice site in intron 5 of the SCN11A gene. It is expected to disrupt RNA splicing. Variants that disrupt the donor or acceptor splice site typically lead to a loss of protein function (PMID: 16199547), however the current clinical and genetic evidence is not sufficient to establish whether loss-of-function variants in SCN11A cause disease. This variant is present in population databases (no rsID available, gnomAD 0.007%). This variant has not been reported in the literature in individuals affected with SCN11A-related conditions. ClinVar contains an entry for this variant (Variation ID: 943599). Algorithms developed to predict the effect of sequence changes on RNA splicing suggest that this variant may disrupt the consensus splice site. In summary, the available evidence is currently insufficient to determine the role of this variant in disease. Therefore, it has been classified as a Variant of Uncertain Significance.

Literature cited by the submitters: PubMed 16199547.

NM_001349253.2(SCN11A):c.712+1G>C

Gene: SCN11A (sodium voltage-gated channel alpha subunit 11; minus strand). Cytogenetic location: 3p22.2.
Variant type: single nucleotide variant.
Coding change: c.712+1G>C on transcript NM_001349253.2 (MANE Select); the canonical splice donor site of the intron after coding-DNA position 712, G replaced by C.
Molecular consequence: splice donor variant.
Genome position (GRCh38, 1-based): chr3:38,925,414, C>G on the plus strand (G>C on the coding strand, the complement: SCN11A is on the minus strand). VCF-style: chr3-38925414-C-G. GRCh37 (hg19) VCF-style: chr3-38966905-C-G.
Other names: c.712+1G>C (NM_014139.3).
Identifiers: ClinVar variation 943599 (VCV000943599.7), dbSNP rs768647693, ClinGen allele CA352173043.